The following is an entry in ClinVar:

NM_000540.3(RYR1):c.8996C>T (p.Ala2999Val)

Gene: RYR1 (ryanodine receptor 1; plus strand). Cytogenetic location: 19q13.2.
Variant type: single nucleotide variant.
Coding change: c.8996C>T on transcript NM_000540.3 (MANE Select); coding-DNA position 8996, C replaced by T.
Protein change: p.Ala2999Val; replaces alanine 2999 with valine.
Molecular consequence: missense variant.
Genome position (GRCh38, 1-based): chr19:38,510,561, C>T. VCF-style: chr19-38510561-C-T. GRCh37 (hg19) VCF-style: chr19-39001201-C-T.
Other names: c.8996C>T, p.Ala2999Val (NM_001042723.2); short protein forms A2999V.
Identifiers: ClinVar variation 1007544 (VCV001007544.8), dbSNP rs374272827, ClinGen allele CA405683493.

ClinVar aggregate classification (germline): Uncertain significance. Review status: criteria provided, multiple submitters, no conflicts (2 of 4 stars). 4 submissions from 4 submitters: Uncertain significance (4). Last evaluated 2025-08-17.

Conditions:
Malignant hyperthermia, susceptibility to, 1 (MHS1). Also called: RYR1-Related Malignant Hyperthermia Susceptibility; Anesthesia related hyperthermia; Malignant hyperpyrexia; Fulminating hyperpyrexia; Pharmacogenic myopathy; Malignant hyperthermia suceptibility 1. Identifiers: Orphanet 423, MedGen C2930980, MONDO:0007783, OMIM 145600.
RYR1-related disorder. Also called: RYR1-related disorders; RYR1-related condition. Identifiers: MedGen CN239331.

gnomAD v4.1: 29 of 1,614,146 alleles (0.0018%); highest among the groups gnomAD compares: Non-Finnish European, 0.0025%; no homozygotes.

Submissions (4):

Color Diagnostics, LLC DBA Color Health
Classification: Uncertain significance for Malignant hyperthermia, susceptibility to, 1. Last evaluated: 2025-08-17. Review status: criteria provided, single submitter. Criteria: ACMG Guidelines, 2015. Collection method: clinical testing. Allele origin: germline.
Comment: This missense variant replaces alanine with valine at codon 2999 of the RYR1 protein. Computational prediction suggests that this variant may not impact protein structure and function. To our knowledge, functional studies have not been reported for this variant. This variant has not been reported in individuals affected with RYR1-related disorders in the literature. This variant has been identified in 4/251486 chromosomes in the general population by the Genome Aggregation Database (gnomAD). The available evidence is insufficient to determine the role of this variant in disease conclusively. Therefore, this variant is classified as a Variant of Uncertain Significance.

All of Us Research Program, National Institutes of Health
Classification: Uncertain significance for Malignant hyperthermia, susceptibility to, 1. Last evaluated: 2024-01-11. Review status: criteria provided, single submitter. Criteria: ACMG Guidelines, 2015. Collection method: clinical testing. Allele origin: germline. Inheritance: Autosomal dominant inheritance. Observed: 5 variant alleles, 5 heterozygotes.
Comment: This missense variant replaces alanine with valine at codon 2999 of the RYR1 protein. Computational prediction suggests that this variant may not impact protein structure and function (internally defined REVEL score threshold <= 0.5, PMID: 27666373). To our knowledge, functional studies have not been reported for this variant. This variant has not been reported in individuals affected with RYR1-related disorders in the literature. This variant has been identified in 4/251486 chromosomes in the general population by the Genome Aggregation Database (gnomAD). The available evidence is insufficient to determine the role of this variant in disease conclusively. Therefore, this variant is classified as a Variant of Uncertain Significance.

This study involves interpretation of variants in research participants for the purpose of population health screening. Participant phenotype was not available at the time of variant classification. Additional details can be found in publication PMID: 35346344, PMCID: PMC8962531

Revvity Omics, Revvity
Classification: Uncertain significance. Last evaluated: 2023-03-21. Review status: criteria provided, single submitter. Criteria: ACMG Guidelines, 2015. Collection method: clinical testing. Allele origin: germline.

Labcorp Genetics (formerly Invitae), Labcorp
Classification: Uncertain significance for RYR1-related disorder. Last evaluated: 2022-06-28. Review status: criteria provided, single submitter. Criteria: Invitae Variant Classification Sherloc (09022015). Collection method: clinical testing. Allele origin: germline.
Comment: This sequence change replaces alanine, which is neutral and non-polar, with valine, which is neutral and non-polar, at codon 2999 of the RYR1 protein (p.Ala2999Val). This variant is present in population databases (no rsID available, gnomAD 0.004%). This variant has not been reported in the literature in individuals affected with RYR1-related conditions. ClinVar contains an entry for this variant (Variation ID: 1007544). Advanced modeling of protein sequence and biophysical properties (such as structural, functional, and spatial information, amino acid conservation, physicochemical variation, residue mobility, and thermodynamic stability) performed at Invitae indicates that this missense variant is not expected to disrupt RYR1 protein function. In summary, the available evidence is currently insufficient to determine the role of this variant in disease. Therefore, it has been classified as a Variant of Uncertain Significance.